The following is an entry in ClinVar:

ClinVar aggregate classification (germline): Uncertain significance. Review status: criteria provided, multiple submitters, no conflicts (2 of 4 stars). 2 submissions from 2 submitters: Uncertain significance (2). Last evaluated 2025-08-09.

Conditions:
Megalencephaly-polymicrogyria-postaxial polydactyly-hydrocephalus syndrome. Also called: MEG-PMG-MEGACC SYNDROME; MPPH Syndrome. Identifiers: Orphanet 83473, MedGen C1863924, MONDO:0019375.
Inborn genetic diseases. Identifiers: MedGen C0950123, MeSH D030342.

gnomAD v4.1: 61 of 1,548,174 alleles (0.0039%); highest among the groups gnomAD compares: Non-Finnish European, 0.0052%; no homozygotes.

Submissions (2):

Ambry Genetics
Classification: Uncertain significance for Inborn genetic diseases. Last evaluated: 2025-08-09. Review status: criteria provided, single submitter. Criteria: Ambry Variant Classification Scheme 2023. Collection method: clinical testing. Allele origin: germline.

Labcorp Genetics (formerly Invitae), Labcorp
Classification: Uncertain significance for Megalencephaly-polymicrogyria-postaxial polydactyly-hydrocephalus syndrome. Last evaluated: 2025-06-22. Review status: criteria provided, single submitter. Criteria: Invitae Variant Classification Sherloc (09022015). Collection method: clinical testing. Allele origin: germline.
Comment: This sequence change replaces serine, which is neutral and polar, with leucine, which is neutral and non-polar, at codon 191 of the PIK3R2 protein (p.Ser191Leu). This variant is present in population databases (no rsID available, gnomAD 0.004%). This variant has not been reported in the literature in individuals affected with PIK3R2-related conditions. Invitae Evidence Modeling of protein sequence and biophysical properties (such as structural, functional, and spatial information, amino acid conservation, physicochemical variation, residue mobility, and thermodynamic stability) indicates that this missense variant is not expected to disrupt PIK3R2 protein function with a negative predictive value of 95%. In summary, the available evidence is currently insufficient to determine the role of this variant in disease. Therefore, it has been classified as a Variant of Uncertain Significance.

NM_005027.4(PIK3R2):c.572C>T (p.Ser191Leu)

Genes: PIK3R2 (phosphoinositide-3-kinase regulatory subunit 2; plus strand), LOC130063979 (ATAC-STARR-seq lymphoblastoid silent region 10375; plus strand). Cytogenetic location: 19p13.11.
Variant type: single nucleotide variant.
Coding change: c.572C>T on transcript NM_005027.4 (MANE Select); coding-DNA position 572, C replaced by T.
Protein change: p.Ser191Leu; replaces serine 191 with leucine.
Molecular consequence: missense variant. On other transcripts: non-coding transcript variant (2).
Genome position (GRCh38, 1-based): chr19:18,161,159, C>T. VCF-style: chr19-18161159-C-T. GRCh37 (hg19) VCF-style: chr19-18271969-C-T.
Other names: short protein forms S191L.
Identifiers: ClinVar variation 4136879 (VCV004136879.2).